The following is an entry in ClinVar:

ClinVar aggregate classification (germline): Uncertain significance. Review status: criteria provided, multiple submitters, no conflicts (2 of 4 stars). 2 submissions from 2 submitters: Uncertain significance (2). Last evaluated 2023-10-04.

Conditions:
Autosomal dominant limb-girdle muscular dystrophy type 1G (LGMDD3). Also called: Limb-girdle muscular dystrophy, type 1G; MUSCULAR DYSTROPHY, LIMB-GIRDLE, AUTOSOMAL DOMINANT 3. Identifiers: Orphanet 55596, MedGen C1836765, MONDO:0012193, OMIM 609115.

Allele frequency attached by ClinVar (database versions not stated): TOPMed 0.00001.
gnomAD v4.1: 9 of 1,612,602 alleles (0.00056%); highest among the groups gnomAD compares: Admixed American, 0.005%; no homozygotes.

Submissions (2):

Labcorp Genetics (formerly Invitae), Labcorp
Classification: Uncertain significance for Autosomal dominant limb-girdle muscular dystrophy type 1G. Last evaluated: 2023-10-04. Review status: criteria provided, single submitter. Criteria: Invitae Variant Classification Sherloc (09022015). Collection method: clinical testing. Allele origin: germline.
Comment: This sequence change replaces serine, which is neutral and polar, with alanine, which is neutral and non-polar, at codon 94 of the HNRNPDL protein (p.Ser94Ala). This variant is present in population databases (rs762023929, gnomAD 0.003%). This variant has not been reported in the literature in individuals affected with HNRNPDL-related conditions. ClinVar contains an entry for this variant (Variation ID: 565463). An algorithm developed to predict the effect of missense changes on protein structure and function (PolyPhen-2) suggests that this variant is likely to be tolerated. In summary, the available evidence is currently insufficient to determine the role of this variant in disease. Therefore, it has been classified as a Variant of Uncertain Significance.

Ambry Genetics
Classification: Uncertain significance. Last evaluated: 2023-06-06. Review status: criteria provided, single submitter. Criteria: Ambry Variant Classification Scheme 2023. Collection method: clinical testing. Allele origin: germline.

NM_031372.4(HNRNPDL):c.280T>G (p.Ser94Ala)

Gene: HNRNPDL (heterogeneous nuclear ribonucleoprotein D like; minus strand). Cytogenetic location: 4q21.22.
Variant type: single nucleotide variant.
Coding change: c.280T>G on transcript NM_031372.4 (MANE Select); coding-DNA position 280, T replaced by G.
Protein change: p.Ser94Ala; replaces serine 94 with alanine.
Molecular consequence: missense variant. On other transcripts: non-coding transcript variant (1).
Genome position (GRCh38, 1-based): chr4:82,429,411, A>C on the plus strand (T>G on the coding strand, the complement: HNRNPDL is on the minus strand). VCF-style: chr4-82429411-A-C. GRCh37 (hg19) VCF-style: chr4-83350564-A-C.
Other names: c.280T>G, p.Ser94Ala (NM_001207000.1); short protein forms S94A.
Identifiers: ClinVar variation 565463 (VCV000565463.10), dbSNP rs762023929, ClinGen allele CA2985082.